The following is an entry in ClinVar:

ClinVar aggregate classification (germline): Uncertain significance (1 of 4 stars; one submission).

Conditions:
Seizures, benign familial infantile, 3 (BFIS3). Also called: Familial neonatal seizures; CONVULSIONS, BENIGN FAMILIAL INFANTILE, 3. Identifiers: Orphanet 140927, Orphanet 306, MedGen C1843140, MONDO:0011904, OMIM 607745.
Developmental and epileptic encephalopathy, 11 (DEE11). Also called: Early infantile epileptic encephalopathy 11. Identifiers: Orphanet 1934, MedGen C3150987, MONDO:0013388, OMIM 613721.

Submission:

Labcorp Genetics (formerly Invitae), Labcorp
Classification: Uncertain significance for Seizures, benign familial infantile, 3; Developmental and epileptic encephalopathy, 11. Last evaluated: 2024-04-09. Review status: criteria provided, single submitter. Criteria: Invitae Variant Classification Sherloc (09022015). Collection method: clinical testing. Allele origin: germline.
Comment: This sequence change creates a premature translational stop signal (p.Ser1958*) in the SCN2A gene. While this is not anticipated to result in nonsense mediated decay, it is expected to disrupt the last 48 amino acid(s) of the SCN2A protein. This variant is not present in population databases (gnomAD no frequency). This variant has not been reported in the literature in individuals affected with SCN2A-related conditions. ClinVar contains an entry for this variant (Variation ID: 1516908). Experimental studies and prediction algorithms are not available or were not evaluated, and the functional significance of this variant is currently unknown. In summary, the available evidence is currently insufficient to determine the role of this variant in disease. Therefore, it has been classified as a Variant of Uncertain Significance.

NM_001040142.2(SCN2A):c.5873C>G (p.Ser1958Ter)

Gene: SCN2A (sodium voltage-gated channel alpha subunit 2; plus strand). Cytogenetic location: 2q24.3.
Variant type: single nucleotide variant.
Coding change: c.5873C>G on transcript NM_001040142.2 (MANE Select); coding-DNA position 5873, C replaced by G.
Protein change: p.Ser1958Ter; replaces serine 1958 with a stop codon.
Molecular consequence: nonsense.
Genome position (GRCh38, 1-based): chr2:165,389,679, C>G. VCF-style: chr2-165389679-C-G. GRCh37 (hg19) VCF-style: chr2-166246189-C-G.
Other names: c.5873C>G, p.Ser1958Ter (NM_001040143.2, NM_001371246.1, NM_001371247.1 and 1 more transcripts); short protein forms S1958*.
Identifiers: ClinVar variation 1516908 (VCV001516908.6), dbSNP rs1558887309, ClinGen allele CA349040728.